The following is an entry in ClinVar:

ClinVar aggregate classification (germline): Uncertain significance (1 of 4 stars; one submission).

Conditions:
Hereditary breast ovarian cancer syndrome. Also called: BRCA1- and BRCA2-Associated Hereditary Breast and Ovarian Cancer; Hereditary breast and ovarian cancer syndrome (HBOC); Hereditary breast and/or ovarian cancer syndrome; Hereditary breast and ovarian cancer syndrome; Hereditary breast and ovarian cancer; Breast and ovarian cancer. Identifiers: Orphanet 145, MedGen C0677776, MeSH D061325, MONDO:0003582. Disease mechanism: loss of function.

Allele frequency attached by ClinVar (database versions not stated): gnomAD exomes below 0.00001.
gnomAD v4.1: 1 of 1,613,934 alleles (0.000062%); highest among the groups gnomAD compares: Non-Finnish European, 0.000085%; no homozygotes.

Submission:

Labcorp Genetics (formerly Invitae), Labcorp
Classification: Uncertain significance for Hereditary breast ovarian cancer syndrome. Last evaluated: 2022-10-13. Review status: criteria provided, single submitter. Criteria: Invitae Variant Classification Sherloc (09022015). Collection method: clinical testing. Allele origin: germline.
Comment: Advanced modeling of protein sequence and biophysical properties (such as structural, functional, and spatial information, amino acid conservation, physicochemical variation, residue mobility, and thermodynamic stability) performed at Invitae indicates that this missense variant is not expected to disrupt BRCA2 protein function. In summary, the available evidence is currently insufficient to determine the role of this variant in disease. Therefore, it has been classified as a Variant of Uncertain Significance. This variant has not been reported in the literature in individuals affected with BRCA2-related conditions. This variant is not present in population databases (gnomAD no frequency). This sequence change replaces serine, which is neutral and polar, with proline, which is neutral and non-polar, at codon 2442 of the BRCA2 protein (p.Ser2442Pro).

NM_000059.4(BRCA2):c.7324T>C (p.Ser2442Pro)

Gene: BRCA2 (BRCA2 DNA repair associated; plus strand). Cytogenetic location: 13q13.1.
Variant type: single nucleotide variant.
Coding change: c.7324T>C on transcript NM_000059.4 (MANE Select); coding-DNA position 7324, T replaced by C.
Protein change: p.Ser2442Pro; replaces serine 2442 with proline.
Molecular consequence: missense variant.
Genome position (GRCh38, 1-based): chr13:32,355,177, T>C. VCF-style: chr13-32355177-T-C. GRCh37 (hg19) VCF-style: chr13-32929314-T-C.
Other names: c.7228T>C, p.Ser2410Pro (NM_001406719.1); c.7324T>C, p.Ser2442Pro (NM_001406720.1); c.2392T>C, p.Ser798Pro (NM_001406721.1); c.907T>C, p.Ser303Pro (NM_001406722.1); short protein forms S2410P, S2442P, S303P, S798P.
Identifiers: ClinVar variation 1721528 (VCV001721528.6), dbSNP rs2137558036, ClinGen allele CA387741119.